The following is an entry in ClinVar:

ClinVar aggregate classification (germline): Uncertain significance (1 of 4 stars; one submission).

Conditions:
Cardiovascular phenotype. Identifiers: MedGen CN230736.

gnomAD v4.1: 6 of 1,614,132 alleles (0.00037%); highest among the groups gnomAD compares: Non-Finnish European, 0.00042%; no homozygotes.

Submission:

Ambry Genetics
Classification: Uncertain significance for Cardiovascular phenotype. Last evaluated: 2025-01-19. Review status: criteria provided, single submitter. Criteria: Ambry Variant Classification Scheme 2023. Collection method: clinical testing. Allele origin: germline.
Comment: The p.N3127I variant (also known as c.9380A>T), located in coding exon 26 of the APOB gene, results from an A to T substitution at nucleotide position 9380. The asparagine at codon 3127 is replaced by isoleucine, an amino acid with dissimilar properties. This amino acid position is conserved. In addition, this alteration is predicted to be tolerated by in silico analysis. Based on the available evidence, the clinical significance of this variant remains unclear.

NM_000384.3(APOB):c.9380A>T (p.Asn3127Ile)

Gene: APOB (apolipoprotein B; minus strand). Cytogenetic location: 2p24.1.
Variant type: single nucleotide variant.
Coding change: c.9380A>T on transcript NM_000384.3 (MANE Select); coding-DNA position 9380, A replaced by T.
Protein change: p.Asn3127Ile; replaces asparagine 3127 with isoleucine.
Molecular consequence: missense variant.
Genome position (GRCh38, 1-based): chr2:21,007,488, T>A on the plus strand (A>T on the coding strand, the complement: APOB is on the minus strand). VCF-style: chr2-21007488-T-A. GRCh37 (hg19) VCF-style: chr2-21230360-T-A.
Other names: short protein forms N3127I.
Identifiers: ClinVar variation 3885174 (VCV003885174.1).